The following is an entry in ClinVar:

NM_032043.3(BRIP1):c.2364T>C (p.Asn788=)

Gene: BRIP1 (BRCA1 interacting DNA helicase 1; minus strand). Cytogenetic location: 17q23.2.
Variant type: single nucleotide variant.
Coding change: c.2364T>C on transcript NM_032043.3 (MANE Select); coding-DNA position 2364, T replaced by C.
Protein change: p.Asn788=; no amino-acid change (asparagine 788 retained).
Molecular consequence: synonymous variant.
Genome position (GRCh38, 1-based): chr17:61,743,028, A>G on the plus strand (T>C on the coding strand, the complement: BRIP1 is on the minus strand). VCF-style: chr17-61743028-A-G. GRCh37 (hg19) VCF-style: chr17-59820389-A-G.
Identifiers: ClinVar variation 758052 (VCV000758052.12), dbSNP rs587783045, ClinGen allele CA501151042.

ClinVar aggregate classification (germline): Benign/Likely benign. Review status: criteria provided, multiple submitters, no conflicts (2 of 4 stars). 3 submissions from 3 submitters: Benign (1); Likely benign (2). Last evaluated 2025-10-14.

Conditions:
Familial cancer of breast. Also called: Hereditary breast cancer; BREAST CANCER, FAMILIAL; hereditary breast carcinoma. Identifiers: Orphanet 227535, MedGen C0346153, MONDO:0016419, OMIM 114480. Disease mechanism: loss of function.
Hereditary cancer-predisposing syndrome. Also called: Tumor predisposition; Hereditary Cancer Syndrome; Neoplastic Syndromes, Hereditary; Hereditary neoplastic syndrome. Identifiers: Orphanet 140162, MedGen C0027672, MeSH D009386, MONDO:0015356.
Fanconi anemia complementation group J. Also called: BRIP1-Related Fanconi Anemia. Identifiers: Orphanet 84, MedGen C1836860, MONDO:0012187, OMIM 609054.

Submissions (3):

Ambry Genetics
Classification: Likely benign for Hereditary cancer-predisposing syndrome. Last evaluated: 2025-10-14. Review status: criteria provided, single submitter. Criteria: Ambry Variant Classification Scheme 2023. Collection method: clinical testing. Allele origin: germline.

Myriad Genetics, Inc.
Classification: Benign for Familial cancer of breast. Last evaluated: 2024-09-04. Review status: criteria provided, single submitter. Criteria: Myriad Autosomal Dominant, Autosomal Recessive and X-Linked Classification Criteria (2023). Collection method: clinical testing. Allele origin: unknown.
Comment: This variant is considered benign. This variant is a silent/synonymous amino acid change and it is not expected to impact splicing.

Labcorp Genetics (formerly Invitae), Labcorp
Classification: Likely benign for Familial cancer of breast; Fanconi anemia complementation group J. Last evaluated: 2018-04-12. Review status: criteria provided, single submitter. Criteria: Invitae Variant Classification Sherloc (09022015). Collection method: clinical testing. Allele origin: germline.